The following is an entry in ClinVar:

ClinVar aggregate classification (germline): Uncertain significance. Review status: criteria provided, multiple submitters, no conflicts (2 of 4 stars). 2 submissions from 2 submitters: Uncertain significance (2). Last evaluated 2025-11-07.

Conditions:
Familial thoracic aortic aneurysm and aortic dissection (TAAD). Also called: Thoracic aortic aneurysms and dissections. Identifiers: Orphanet 91387, MedGen C4707243, MONDO:0019625.
Aortic aneurysm, familial thoracic 7 (AAT7). Also called: AORTIC DISSECTION, FAMILIAL, WITH OR WITHOUT AORTIC ANEURYSM. Identifiers: MedGen C3151077, MONDO:0013418, OMIM 613780.

Submissions (2):

Ambry Genetics
Classification: Uncertain significance for Familial thoracic aortic aneurysm and aortic dissection. Last evaluated: 2025-11-07. Review status: criteria provided, single submitter. Criteria: Ambry Variant Classification Scheme 2023. Collection method: clinical testing. Allele origin: germline.
Comment: The p.R78G variant (also known as c.232C>G), located in coding exon 2 of the MYLK gene, results from a C to G substitution at nucleotide position 232. The arginine at codon 78 is replaced by glycine, an amino acid with dissimilar properties. This amino acid position is conserved. In addition, the in silico prediction for this alteration is inconclusive. Since supporting evidence is limited at this time, the clinical significance of this alteration remains unclear.

Labcorp Genetics (formerly Invitae), Labcorp
Classification: Uncertain significance for Aortic aneurysm, familial thoracic 7. Last evaluated: 2024-01-15. Review status: criteria provided, single submitter. Criteria: Invitae Variant Classification Sherloc (09022015). Collection method: clinical testing. Allele origin: germline.
Comment: This sequence change replaces arginine, which is basic and polar, with glycine, which is neutral and non-polar, at codon 78 of the MYLK protein (p.Arg78Gly). This variant is not present in population databases (gnomAD no frequency). This variant has not been reported in the literature in individuals affected with MYLK-related conditions. ClinVar contains an entry for this variant (Variation ID: 2146830). Advanced modeling of protein sequence and biophysical properties (such as structural, functional, and spatial information, amino acid conservation, physicochemical variation, residue mobility, and thermodynamic stability) performed at Invitae indicates that this missense variant is not expected to disrupt MYLK protein function with a negative predictive value of 95%. In summary, the available evidence is currently insufficient to determine the role of this variant in disease. Therefore, it has been classified as a Variant of Uncertain Significance.

NM_053025.4(MYLK):c.232C>G (p.Arg78Gly)

Gene: MYLK (myosin light chain kinase; minus strand). Cytogenetic location: 3q21.1.
Variant type: single nucleotide variant.
Coding change: c.232C>G on transcript NM_053025.4 (MANE Select); coding-DNA position 232, C replaced by G.
Protein change: p.Arg78Gly; replaces arginine 78 with glycine.
Molecular consequence: missense variant. On other transcripts: intron variant (1).
Genome position (GRCh38, 1-based): chr3:123,752,472, G>C on the plus strand (C>G on the coding strand, the complement: MYLK is on the minus strand). VCF-style: chr3-123752472-G-C. GRCh37 (hg19) VCF-style: chr3-123471319-G-C.
Other names: c.232C>G, p.Arg78Gly (NM_053026.4, NM_053027.4, NM_053028.4); c.-155-12471C>G (NM_001321309.2); c.232C>G (NM_053025.3); short protein forms R78G.
Identifiers: ClinVar variation 2146830 (VCV002146830.7), dbSNP rs554364032, ClinGen allele CA354244877.